The following is an entry in ClinVar:

ClinVar aggregate classification (germline): Uncertain significance (1 of 4 stars; one submission).

Conditions:
Very long chain acyl-CoA dehydrogenase deficiency (ACADVLD). Also called: VLCAD Deficiency; Very Long-Chain Acyl-Coenzyme A Dehydrogenase Deficiency. Identifiers: Orphanet 26793, MedGen C3887523, MONDO:0008723, OMIM 201475.

Allele frequency attached by ClinVar (database versions not stated): gnomAD 0.00001; gnomAD exomes 0.00001; ExAC 0.00002.
gnomAD v4.1: 22 of 1,613,940 alleles (0.0014%); highest among the groups gnomAD compares: Non-Finnish European, 0.0018%; no homozygotes.

Submission:

Labcorp Genetics (formerly Invitae), Labcorp
Classification: Uncertain significance for Very long chain acyl-CoA dehydrogenase deficiency. Last evaluated: 2022-07-25. Review status: criteria provided, single submitter. Criteria: Invitae Variant Classification Sherloc (09022015). Collection method: clinical testing. Allele origin: germline.
Comment: This sequence change falls in intron 13 of the ACADVL gene. It does not directly change the encoded amino acid sequence of the ACADVL protein. It affects a nucleotide within the consensus splice site. This variant is present in population databases (rs771162245, gnomAD 0.003%). This variant has not been reported in the literature in individuals affected with ACADVL-related conditions. Variants that disrupt the consensus splice site are a relatively common cause of aberrant splicing (PMID: 17576681, 9536098). Algorithms developed to predict the effect of sequence changes on RNA splicing suggest that this variant is not likely to affect RNA splicing. In summary, the available evidence is currently insufficient to determine the role of this variant in disease. Therefore, it has been classified as a Variant of Uncertain Significance.

Literature cited by the submitters: PubMed 17576681; PubMed 9536098.

NM_000018.4(ACADVL):c.1332+5A>G

Gene: ACADVL (acyl-CoA dehydrogenase very long chain; plus strand). Cytogenetic location: 17p13.1.
Variant type: single nucleotide variant.
Coding change: c.1332+5A>G on transcript NM_000018.4 (MANE Select); 5 bases into the intron after coding-DNA position 1332, A replaced by G.
Molecular consequence: intron variant.
Genome position (GRCh38, 1-based): chr17:7,223,880, A>G. VCF-style: chr17-7223880-A-G. GRCh37 (hg19) VCF-style: chr17-7127199-A-G.
Other names: c.1401+5A>G (NM_001270447.2); c.1104+5A>G (NM_001270448.2); c.1266+5A>G (NM_001033859.3).
Identifiers: ClinVar variation 1946932 (VCV001946932.2), dbSNP rs771162245, ClinGen allele CA8338066.